The following is an entry in ClinVar:

ClinVar aggregate classification (germline): Likely pathogenic (1 of 4 stars; one submission).

Conditions:
Pyruvate carboxylase deficiency. Also called: ATAXIA WITH LACTIC ACIDOSIS II; LEIGH NECROTIZING ENCEPHALOPATHY DUE TO PYRUVATE CARBOXYLASE DEFICIENCY; LEIGH SYNDROME DUE TO PYRUVATE CARBOXYLASE DEFICIENCY; PC DEFICIENCY; Pyruvate Carboxylase Deficiency Disease. Identifiers: Orphanet 3008, MedGen C0034341, MONDO:0009949, OMIM 266150.

Submission:

Myriad Genetics, Inc.
Classification: Likely pathogenic for Pyruvate carboxylase deficiency. Last evaluated: 2022-02-05. Review status: criteria provided, single submitter. Criteria: Myriad Women's Health Autosomal Recessive and X-Linked Classification Criteria (2021). Collection method: clinical testing. Allele origin: unknown.
Comment: NM_000920.3(PC):c.2113_2114delTC(S705Ifs*87) is expected to be pathogenic in the context of pyruvate carboxylase deficiency. This variant is predicted to lead to an abnormal or absent protein product due to the creation of a premature termination codon in PC, a gene where loss-of-function variants are known to be pathogenic. Please note: this variant was assessed in the context of healthy population screening.

NM_001040716.2(PC):c.2113_2114del (p.Ser705fs)

Gene: PC (pyruvate carboxylase; minus strand). Cytogenetic location: 11q13.2.
Variant type: Microsatellite.
Coding change: c.2113_2114del on transcript NM_001040716.2 (MANE Select); coding-DNA positions 2113 to 2114, 2 bases deleted (TC; older notation c.2113_2114delTC).
Protein change: p.Ser705fs; shifts the reading frame from serine 705.
Molecular consequence: frameshift variant.
Genome position (GRCh38, 1-based): chr11:66,851,149-66,851,150, GA deleted on the plus strand (TC on the coding strand, the reverse complement: PC is on the minus strand); deleting any 2 consecutive bases within chr11:66,851,149-66,851,152 gives the same sequence; the c. name uses the placement nearest the transcript's 3' end. VCF-style (leftmost placement, unchanged base first): chr11-66851148-TGA-T. GRCh37 (hg19) VCF-style: chr11-66618619-TGA-T.
Other names: c.2113_2114del, p.Ser705fs (NM_000920.4, NM_022172.3); short protein forms S705fs.
Identifiers: ClinVar variation 1724331 (VCV001724331.2), dbSNP rs2495453717, ClinGen allele CA2580615734.